The following is an entry in ClinVar:

ClinVar aggregate classification (germline): Conflicting classifications of pathogenicity. Review status: criteria provided, conflicting classifications (1 of 4 stars). 5 submissions from 5 submitters: Uncertain significance (4); Likely benign (1). Last evaluated 2025-12-15.

Conditions:
Neuroblastoma, susceptibility to, 3. Also called: ALK-Related Neuroblastic Tumor Susceptibility. Identifiers: Orphanet 635, MedGen C2751681, MONDO:0013083, OMIM 613014.
Hereditary cancer-predisposing syndrome. Also called: Hereditary neoplastic syndrome; Neoplastic Syndromes, Hereditary; Tumor predisposition; Hereditary Cancer Syndrome. Identifiers: Orphanet 140162, MedGen C0027672, MeSH D009386, MONDO:0015356.

Allele frequency attached by ClinVar (database versions not stated): gnomAD exomes 0.00004 and 0.00006; ExAC 0.00008; TOPMed 0.00011; gnomAD 0.00013 and 0.00014; 1000 Genomes Project 30x 0.00016; 1000 Genomes Project 0.00020.
gnomAD v4.1: 76 of 1,614,104 alleles (0.0047%); highest among the groups gnomAD compares: African/African-American, 0.028%; no homozygotes.

Submissions (5):

Labcorp Genetics (formerly Invitae), Labcorp
Classification: Uncertain significance for Neuroblastoma, susceptibility to, 3. Last evaluated: 2025-12-15. Review status: criteria provided, single submitter. Criteria: Invitae Variant Classification Sherloc (09022015). Collection method: clinical testing. Allele origin: germline.
Comment: This sequence change replaces proline, which is neutral and non-polar, with leucine, which is neutral and non-polar, at codon 1398 of the ALK protein (p.Pro1398Leu). This variant is present in population databases (rs531490912, gnomAD 0.05%), and has an allele count higher than expected for a pathogenic variant. This variant has not been reported in the literature in individuals affected with ALK-related conditions. ClinVar contains an entry for this variant (Variation ID: 470866). An algorithm developed to predict the effect of missense changes on protein structure and function (PolyPhen-2) suggests that this variant is likely to be disruptive. In summary, the available evidence is currently insufficient to determine the role of this variant in disease. Therefore, it has been classified as a Variant of Uncertain Significance.

Ambry Genetics
Classification: Likely benign for Hereditary cancer-predisposing syndrome. Last evaluated: 2024-06-25. Review status: criteria provided, single submitter. Criteria: Ambry Variant Classification Scheme 2023. Collection method: clinical testing. Allele origin: germline.

GeneDx
Classification: Uncertain significance. Last evaluated: 2024-05-05. Review status: criteria provided, single submitter. Criteria: GeneDx Variant Classification Process June 2021. Collection method: clinical testing. Allele origin: germline. Affected: yes.
Comment: In silico analysis supports that this missense variant has a deleterious effect on protein structure/function; Observed in individuals with breast or kidney cancer (PMID: 29684080); This variant is associated with the following publications: (PMID: 29684080)

Baylor Genetics
Classification: Uncertain significance for Neuroblastoma, susceptibility to, 3. Last evaluated: 2023-09-28. Review status: criteria provided, single submitter. Criteria: ACMG Guidelines, 2015. Collection method: clinical testing. Allele origin: unknown.

Fulgent Genetics
Classification: Uncertain significance for Neuroblastoma, susceptibility to, 3. Last evaluated: 2018-10-31. Review status: criteria provided, single submitter. Criteria: ACMG Guidelines, 2015. Collection method: clinical testing. Allele origin: unknown.

NM_004304.5(ALK):c.4193C>T (p.Pro1398Leu)

Gene: ALK (ALK receptor tyrosine kinase; minus strand). Cytogenetic location: 2p23.2.
Variant type: single nucleotide variant.
Coding change: c.4193C>T on transcript NM_004304.5 (MANE Select); coding-DNA position 4193, C replaced by T.
Protein change: p.Pro1398Leu; replaces proline 1398 with leucine.
Molecular consequence: missense variant.
Genome position (GRCh38, 1-based): chr2:29,193,894, G>A on the plus strand (C>T on the coding strand, the complement: ALK is on the minus strand). VCF-style: chr2-29193894-G-A. GRCh37 (hg19) VCF-style: chr2-29416760-G-A.
Other names: c.989C>T, p.Pro330Leu (NM_001353765.2); short protein forms P1398L, P330L.
Identifiers: ClinVar variation 470866 (VCV000470866.14), dbSNP rs531490912, ClinGen allele CA1593630.